The following is an entry in ClinVar:

NM_138420.4(AHNAK2):c.4179C>T (p.Asp1393=)

Gene: AHNAK2 (AHNAK nucleoprotein 2; minus strand). Cytogenetic location: 14q32.33.
Variant type: single nucleotide variant.
Coding change: c.4179C>T on transcript NM_138420.4 (MANE Select); coding-DNA position 4179, C replaced by T.
Protein change: p.Asp1393=; no amino-acid change (aspartic acid 1393 retained).
Molecular consequence: synonymous variant.
Genome position (GRCh38, 1-based): chr14:104,951,272, G>A on the plus strand (C>T on the coding strand, the complement: AHNAK2 is on the minus strand). VCF-style: chr14-104951272-G-A. GRCh37 (hg19) VCF-style: chr14-105417609-G-A.
Other names: c.3879C>T, p.Asp1293= (NM_001350929.2).
Identifiers: ClinVar variation 3388396 (VCV003388396.14).

ClinVar aggregate classification (germline): Likely benign (1 of 4 stars; one submission).

gnomAD v4.1: 492 of 1,060,580 alleles (0.046%); highest among the groups gnomAD compares: South Asian, 0.056%; 187 homozygotes.

Submission:

CeGaT Center for Human Genetics Tuebingen
Classification: Likely benign. Last evaluated: 2026-07-01. Review status: criteria provided, single submitter. Criteria: CeGaT Center For Human Genetics Tuebingen Variant Classification Criteria Version 2. Collection method: clinical testing. Allele origin: germline. Affected: yes. Observed: 3 variant alleles.
Comment: AHNAK2: BP4, BP7, BS2